The following is an entry in ClinVar:

ClinVar aggregate classification (germline): Uncertain significance (1 of 4 stars; one submission).

Conditions:
Gastrointestinal stromal tumor. Also called: Gastrointestinal stromal tumor, somatic; Gastrointestinal stroma tumor. Identifiers: Orphanet 44890, MedGen C0238198, MeSH D046152, MONDO:0011719, OMIM 606764, HP:0100723.

Submission:

Labcorp Genetics (formerly Invitae), Labcorp
Classification: Uncertain significance for Gastrointestinal stromal tumor. Last evaluated: 2023-07-28. Review status: criteria provided, single submitter. Criteria: Invitae Variant Classification Sherloc (09022015). Collection method: clinical testing. Allele origin: germline.
Comment: In summary, the available evidence is currently insufficient to determine the role of this variant in disease. Therefore, it has been classified as a Variant of Uncertain Significance. Advanced modeling of protein sequence and biophysical properties (such as structural, functional, and spatial information, amino acid conservation, physicochemical variation, residue mobility, and thermodynamic stability) performed at Invitae indicates that this missense variant is not expected to disrupt PDGFRA protein function. This variant has not been reported in the literature in individuals affected with PDGFRA-related conditions. This variant is not present in population databases (gnomAD no frequency). This sequence change replaces phenylalanine, which is neutral and non-polar, with leucine, which is neutral and non-polar, at codon 198 of the PDGFRA protein (p.Phe198Leu).

NM_006206.6(PDGFRA):c.594C>A (p.Phe198Leu)

Gene: PDGFRA (platelet derived growth factor receptor alpha; plus strand). Cytogenetic location: 4q12.
Variant type: single nucleotide variant.
Coding change: c.594C>A on transcript NM_006206.6 (MANE Select); coding-DNA position 594, C replaced by A.
Protein change: p.Phe198Leu; replaces phenylalanine 198 with leucine.
Molecular consequence: missense variant.
Genome position (GRCh38, 1-based): chr4:54,263,893, C>A. VCF-style: chr4-54263893-C-A. GRCh37 (hg19) VCF-style: chr4-55130060-C-A.
Other names: c.594C>A, p.Phe198Leu (NM_001347827.2, NM_001347829.2); c.669C>A, p.Phe223Leu (NM_001347828.2); c.633C>A, p.Phe211Leu (NM_001347830.2); short protein forms F211L, F223L, F198L.
Identifiers: ClinVar variation 2747516 (VCV002747516.3), dbSNP rs1018795199, ClinGen allele CA356890158.